The following is an entry in ClinVar:

NM_000448.3(RAG1):c.1297G>A (p.Val433Met)

Gene: RAG1 (recombination activating 1; plus strand). Cytogenetic location: 11p12.
Variant type: single nucleotide variant.
Coding change: c.1297G>A on transcript NM_000448.3 (MANE Select); coding-DNA position 1297, G replaced by A.
Protein change: p.Val433Met; replaces valine 433 with methionine.
Molecular consequence: missense variant.
Genome position (GRCh38, 1-based): chr11:36,574,601, G>A. VCF-style: chr11-36574601-G-A. GRCh37 (hg19) VCF-style: chr11-36596151-G-A.
Other names: c.1297G>A, p.Val433Met (NM_001377277.1, NM_001377278.1, NM_001377279.1 and 1 more transcripts); short protein forms V433M.
Identifiers: ClinVar variation 68679 (VCV000068679.6), dbSNP rs199474679, ClinGen allele CA219794.
Genomic context (GRCh38, chr11:36,574,601, plus strand): 5'-GAGCTCAAGCTGCAAGTCAAAGCCTTTGCTGACAAAGAAGAAGGTGGAGATGTGAAGTCC[G>A]TGTGCATGACCTTGTTCCTGCTGGCTCTGAGGGCGAGGAATGAGCACAGGCAAGCTGATG-3'
Protein context (NP_000439.2, residues 423-443): DKEEGGDVKS[Val433Met]CMTLFLLALR

ClinVar aggregate classification (germline): Pathogenic/Likely pathogenic. Review status: criteria provided, multiple submitters, no conflicts (2 of 4 stars). 5 submissions from 5 submitters: Pathogenic (1); Likely pathogenic (3). 1 of the submissions does not count toward it. Last evaluated 2025-09-10.

Conditions:
Severe combined immunodeficiency, autosomal recessive, T cell-negative, B cell-negative, NK cell-positive. Also called: SCID, AR, T-cell negative, B-cell negative, NK cell-positive; Severe combined immunodeficiency due to complete RAG1/2 deficiency; SCID, T CELL-NEGATIVE, B CELL-NEGATIVE, NK CELL-POSITIVE. Identifiers: Orphanet 331206, MedGen C1832322, MONDO:0011086, OMIM 601457.
Combined immunodeficiency with skin granulomas. Identifiers: Orphanet 157949, MedGen C2673536, MONDO:0009306, OMIM 233650.
Severe combined immunodeficiency disease. Also called: Severe Combined Immune Deficiency; Severe combined immunodeficiency. Identifiers: Orphanet 183660, MedGen C0085110, MeSH D016511, MONDO:0015974, HP:0004430. Inheritance: X-Linked or Autosomal recessive.
Combined immunodeficiency due to partial RAG1 deficiency. Identifiers: Orphanet 231154, MedGen C1835931, MONDO:0012359, OMIM 609889.

Allele frequency attached by ClinVar (database versions not stated): gnomAD exomes 0.00001.
gnomAD v4.1: 10 of 1,614,232 alleles (0.00062%); highest among the groups gnomAD compares: South Asian, 0.0011%; no homozygotes.

Submissions (5):

Genomic Medicine Center of Excellence, King Faisal Specialist Hospital and Research Centre
Classification: Likely pathogenic for Severe combined immunodeficiency, autosomal recessive, T cell-negative, B cell-negative, NK cell-positive. Last evaluated: 2025-09-10. Review status: criteria provided, single submitter. Criteria: ACMG Guidelines, 2015. Collection method: clinical testing. Allele origin: germline.

Labcorp Genetics (formerly Invitae), Labcorp
Classification: Likely pathogenic for Combined immunodeficiency with skin granulomas; Severe combined immunodeficiency, autosomal recessive, T cell-negative, B cell-negative, NK cell-positive. Last evaluated: 2025-08-15. Review status: criteria provided, single submitter. Criteria: Invitae Variant Classification Sherloc (09022015). Collection method: clinical testing. Allele origin: germline.
Comment: This sequence change replaces valine, which is neutral and non-polar, with methionine, which is neutral and non-polar, at codon 433 of the RAG1 protein (p.Val433Met). This variant is not present in population databases (gnomAD no frequency). This missense change has been observed in individuals with severe combined immunodeficiency (PMID: 11133745, 19912631, 24144642). ClinVar contains an entry for this variant (Variation ID: 68679). Invitae Evidence Modeling of protein sequence and biophysical properties (such as structural, functional, and spatial information, amino acid conservation, physicochemical variation, residue mobility, and thermodynamic stability) has been performed for this missense variant. However, the output from this modeling did not meet the statistical confidence thresholds required to predict the impact of this variant on RAG1 protein function. Experimental studies have shown that this missense change affects RAG1 function (PMID: 10635319). In summary, the currently available evidence indicates that the variant is pathogenic, but additional data are needed to prove that conclusively. Therefore, this variant has been classified as Likely Pathogenic.

Baylor Genetics
Classification: Likely pathogenic for Combined immunodeficiency due to partial RAG1 deficiency. Last evaluated: 2024-02-18. Review status: criteria provided, single submitter. Criteria: ACMG Guidelines, 2015. Collection method: clinical testing. Allele origin: unknown.

Women's Health and Genetics/Laboratory Corporation of America, LabCorp
Classification: Pathogenic for Severe combined immunodeficiency disease. Last evaluated: 2023-05-03. Review status: criteria provided, single submitter. Criteria: LabCorp Variant Classification Summary - May 2015. Collection method: clinical testing. Allele origin: germline.
Comment: Variant summary: RAG1 c.1297G>A (p.Val433Met) results in a conservative amino acid change located in the nonamer-binding domain (IPR023336) of the encoded protein sequence. Four of five in-silico tools predict a damaging effect of the variant on protein function. The variant was absent in 250786 control chromosomes. c.1297G>A has been reported in the literature in multiple homozygous individuals affected with Omenn Syndrome (OS)/Severe Combined Immunodeficiency (SCID) (e.g., Santagata_1999, Alsmadi_2009, Schuetz_2014) as well as a compound heterozygous individual affected with atypical OS/SCID (e.g., Villa_2001). These data indicate that the variant is very likely to be associated with disease. At least two publications report experimental evidence evaluating an impact on protein function (e.g., Santagata_1999, Lee_2014). The most pronounced variant effect results in 0.2% of wild-type VDJ recombination activity (Lee_2014). The following publications have been ascertained in the context of this evaluation (PMID: 19912631, 24290284, 10635319, 24144642, 11133745). No clinical diagnostic laboratories have submitted clinical-significance assessments for this variant to ClinVar after 2014. Based on the evidence outlined above, the variant was classified as pathogenic.

UniProtKB/Swiss-Prot
No classification provided. Review status: no classification provided. Collection method: not provided. Allele origin: not provided. Not counted in ClinVar's aggregate classification.

Literature cited by the submitters: PubMed 11133745 (cited by Labcorp Genetics (formerly Invitae), Labcorp and Women's Health and Genetics/Laboratory Corporation of America, LabCorp); PubMed 19912631 (cited by Labcorp Genetics (formerly Invitae), Labcorp and Women's Health and Genetics/Laboratory Corporation of America, LabCorp); PubMed 24144642 (cited by Labcorp Genetics (formerly Invitae), Labcorp and Women's Health and Genetics/Laboratory Corporation of America, LabCorp); PubMed 10635319 (cited by Labcorp Genetics (formerly Invitae), Labcorp and Women's Health and Genetics/Laboratory Corporation of America, LabCorp); PubMed 24290284 (cited by Women's Health and Genetics/Laboratory Corporation of America, LabCorp).